The following is an entry in ClinVar:

ClinVar aggregate classification (germline): Pathogenic/Likely pathogenic. Review status: criteria provided, multiple submitters, no conflicts (2 of 4 stars). 2 submissions from 2 submitters: Pathogenic (1); Likely pathogenic (1). Last evaluated 2025-12-17.

Conditions:
Nemaline myopathy 2 (NEM2). Also called: Nemaline myopathy 2, autosomal recessive. Identifiers: MedGen C1850569, MONDO:0009725, OMIM 256030.

Submissions (2):

Natera, Inc.
Classification: Likely pathogenic for Nemaline myopathy type 2. Last evaluated: 2025-12-17. Review status: criteria provided, single submitter. Criteria: Natera Variant Classification Schema (03/2026). Collection method: clinical testing. Allele origin: germline.
Comment: The c.13751_13752dupTG variant in NEB is a frameshift variant predicted to shift the reading frame and introduce a stop codon. This variant is expected to result in nonsense mediated decay, truncation, or a dysfunctional protein product. This variant is rare in the general population with a frequency below the threshold expected for the associated phenotype(s). Given the available evidence, this variant is classified as Likely Pathogenic.

Labcorp Genetics (formerly Invitae), Labcorp
Classification: Pathogenic for Nemaline myopathy 2. Last evaluated: 2024-01-18. Review status: criteria provided, single submitter. Criteria: Invitae Variant Classification Sherloc (09022015). Collection method: clinical testing. Allele origin: germline.
Comment: This variant occurs in a region of NEB (Exons 82-105) consisting of three highly homologous 8-exon repeat units (exons 82-89, exons 90-97, exons 98-105). Sequence variants in this region can be detected, but this assay cannot determine which of the three repeat units is affected, and zygosity is often ambiguous. All variants in this region are reported relative to the exon 82-89 repeat. This sequence change creates a premature translational stop signal (p.Ile4585*) in the NEB gene. It is expected to result in an absent or disrupted protein product. Loss-of-function variants in NEB are known to be pathogenic (PMID: 25205138). The frequency data for this variant in the population databases (gnomAD) is considered unreliable due to the presence of homologous sequence, such as pseudogenes or paralogs, in the genome. This variant has not been reported in the literature in individuals affected with NEB-related conditions. For these reasons, this variant has been classified as Pathogenic.

Literature cited by the submitters: PubMed 25205138 (cited by Labcorp Genetics (formerly Invitae), Labcorp).

NM_001164508.2(NEB):c.13751_13752dup (p.Ile4585Ter)

Gene: NEB (nebulin; minus strand). Cytogenetic location: 2q23.3.
Variant type: Microsatellite.
Coding change: c.13751_13752dup on transcript NM_001164508.2 (MANE Select); coding-DNA positions 13751 to 13752, 2 bases duplicated (TG; older notation c.13751_13752dupTG).
Protein change: p.Ile4585Ter; replaces isoleucine 4585 with a stop codon.
Molecular consequence: nonsense. On other transcripts: intron variant (1).
Genome position (GRCh38, 1-based): chr2:151,600,478-151,600,479, CA duplicated on the plus strand (TG on the coding strand, the reverse complement: NEB is on the minus strand); duplicating any 2 consecutive bases within chr2:151,600,478-151,600,481 gives the same sequence; the c. name uses the placement nearest the transcript's 3' end. VCF-style (leftmost placement, unchanged base first): chr2-151600477-T-TCA. GRCh37 (hg19) VCF-style: chr2-152456991-T-TCA.
Other names: c.13751_13752dupTG (NM_001271208.1); c.13751_13752dup, p.Ile4585Ter (NM_001164507.2, NM_001271208.2); c.11601+9328TG[3] (NM_004543.5); short protein forms I4585*.
Identifiers: ClinVar variation 1074517 (VCV001074517.10), dbSNP rs2153902749, ClinGen allele CA2580611351.